The following is an entry in ClinVar:

NM_006227.4(PLTP):c.395C>G (p.Ser132Cys)

Gene: PLTP (phospholipid transfer protein; minus strand). Cytogenetic location: 20q13.12.
Variant type: single nucleotide variant.
Coding change: c.395C>G on transcript NM_006227.4 (MANE Select); coding-DNA position 395, C replaced by G.
Protein change: p.Ser132Cys; replaces serine 132 with cysteine.
Molecular consequence: missense variant. On other transcripts: intron variant (2).
Genome position (GRCh38, 1-based): chr20:45,909,606, G>C on the plus strand (C>G on the coding strand, the complement: PLTP is on the minus strand). VCF-style: chr20-45909606-G-C. GRCh37 (hg19) VCF-style: chr20-44538245-G-C.
Other names: c.131C>G, p.Ser44Cys (NM_001242921.1); c.200+1546C>G (NM_001242920.2); c.329+336C>G (NM_182676.3); short protein forms S132C, S44C.
Identifiers: ClinVar variation 1418927 (VCV001418927.6), dbSNP rs370451864, ClinGen allele CA409200842.

ClinVar aggregate classification (germline): Uncertain significance (1 of 4 stars; one submission).

Submission:

Labcorp Genetics (formerly Invitae), Labcorp
Classification: Uncertain significance. Last evaluated: 2021-10-04. Review status: criteria provided, single submitter. Criteria: Invitae Variant Classification Sherloc (09022015). Collection method: clinical testing. Allele origin: germline.
Comment: This sequence change replaces serine with cysteine at codon 132 of the PLTP protein (p.Ser132Cys). The serine residue is moderately conserved and there is a moderate physicochemical difference between serine and cysteine. In summary, the available evidence is currently insufficient to determine the role of this variant in disease. Therefore, it has been classified as a Variant of Uncertain Significance. Algorithms developed to predict the effect of missense changes on protein structure and function are either unavailable or do not agree on the potential impact of this missense change (SIFT: "Tolerated"; PolyPhen-2: "Probably Damaging"; Align-GVGD: "Class C0"). This variant has not been reported in the literature in individuals affected with PLTP-related conditions. This variant is not present in population databases (ExAC no frequency).